The following is an entry in ClinVar:

NM_182925.5(FLT4):c.3958C>T (p.Arg1320Trp)

Gene: FLT4 (fms related receptor tyrosine kinase 4; minus strand). Cytogenetic location: 5q35.3.
Variant type: single nucleotide variant.
Coding change: c.3958C>T on transcript NM_182925.5 (MANE Select); coding-DNA position 3958, C replaced by T.
Protein change: p.Arg1320Trp; replaces arginine 1320 with tryptophan.
Molecular consequence: missense variant.
Genome position (GRCh38, 1-based): chr5:180,603,326, G>A on the plus strand (C>T on the coding strand, the complement: FLT4 is on the minus strand). VCF-style: chr5-180603326-G-A. GRCh37 (hg19) VCF-style: chr5-180030326-G-A.
Other names: short protein forms R1320W.
Identifiers: ClinVar variation 4980602 (VCV004980602.1).
Genomic context (GRCh38, chr5:180,603,326, plus strand): 5'-GCTCCCCATACTCGCTGTTGTAAAACACCTGGCCTCCTCGGGCCCCCCGCTCAGGCCGCC[G>A]CCGCCTCCCTTGGGAGTCAGGGTGTGCCCTGGTCACAGCCACATTCTGGCCAGGTCCTTT-3'
Protein context (NP_891555.2, residues 1310-1330): RAHPDSQGRR[Arg1320Trp]RPERGARGGQ

ClinVar aggregate classification (germline): Likely benign (1 of 4 stars; one submission).

Conditions:
FLT4-related disorder. Also called: FLT4-related condition.

gnomAD v4.1: 654 of 1,613,752 alleles (0.041%); highest among the groups gnomAD compares: South Asian, 0.19%; 2 homozygotes.

Submission:

PreventionGenetics, part of Exact Sciences
Classification: Likely benign for FLT4-related condition. Last evaluated: 2025-12-16. Review status: criteria provided, single submitter. Criteria: ACMG Guidelines, 2015. Collection method: clinical testing. Allele origin: germline.
Comment: This variant is classified as likely benign based on ACMG/AMP sequence variant interpretation guidelines (Richards et al. 2015 PMID: 25741868, with internal and published modifications).